The following is an entry in ClinVar:

NM_001270.4(CHD1):c.421A>G (p.Arg141Gly)

Gene: CHD1 (chromodomain helicase DNA binding protein 1; minus strand). Cytogenetic location: 5q21.1.
Variant type: single nucleotide variant.
Coding change: c.421A>G on transcript NM_001270.4 (MANE Select); coding-DNA position 421, A replaced by G.
Protein change: p.Arg141Gly; replaces arginine 141 with glycine.
Molecular consequence: missense variant. On other transcripts: non-coding transcript variant (2).
Genome position (GRCh38, 1-based): chr5:98,902,916, T>C on the plus strand (A>G on the coding strand, the complement: CHD1 is on the minus strand). VCF-style: chr5-98902916-T-C. GRCh37 (hg19) VCF-style: chr5-98238620-T-C.
Other names: c.421A>G, p.Arg141Gly (NM_001364113.3, NM_001376194.2); short protein forms R141G.
Identifiers: ClinVar variation 422585 (VCV000422585.6), dbSNP rs1064795875, ClinGen allele CA16618227.

ClinVar aggregate classification (germline): Uncertain significance. Review status: criteria provided, single submitter (1 of 4 stars). 2 submissions from 2 submitters: Uncertain significance (1). 1 of the submissions does not count toward it. Last evaluated 2019-10-06.

Conditions:
Pilarowski-Bjornsson syndrome. Also called: DEVELOPMENTAL DELAY AND SPEECH APRAXIA WITH OR WITHOUT SEIZURES. Identifiers: Orphanet 529965, MedGen C4540131, MONDO:0060568, OMIM 617682.

Submissions (2):

GeneDx
Classification: Uncertain significance. Last evaluated: 2019-10-06. Review status: criteria provided, single submitter. Criteria: GeneDx Variant Classification Process June 2021. Collection method: clinical testing. Allele origin: germline. Affected: yes.
Comment: Not observed in large population cohorts (Lek et al., 2016); In silico analysis, which includes protein predictors and evolutionary conservation, supports that this variant does not alter protein structure/function; Variants in candidate genes are classified as variants of uncertain significance in accordance with ACMG guidelines (Richards et al., 2015); This variant is associated with the following publications: (PMID: 28866611)

OMIM
Classification: Pathogenic for PILAROWSKI-BJORNSSON SYNDROME. Last evaluated: 2019-06-24. Review status: no assertion criteria provided. Collection method: literature only. Allele origin: germline. Not counted in ClinVar's aggregate classification.

Literature cited by the submitters: PubMed 28866611 (cited by OMIM).